The following is an entry in ClinVar:

ClinVar aggregate classification (germline): Pathogenic (1 of 4 stars; one submission).

Conditions:
Congenital myotonia, autosomal dominant form (THD). Also called: THOMSEN DISEASE; Myotonia congenita autosomal dominant. Identifiers: Orphanet 614, MedGen C2936781, MONDO:0008055, OMIM 160800.
Congenital myotonia, autosomal recessive form. Also called: Becker Generalized Myotonia; myotonia congenita, autosomal recessive; BECKER DISEASE. Identifiers: Orphanet 614, MedGen C0751360, MONDO:0009715, OMIM 255700.

Submission:

Labcorp Genetics (formerly Invitae), Labcorp
Classification: Pathogenic for Congenital myotonia, autosomal recessive form; Congenital myotonia, autosomal dominant form. Last evaluated: 2024-11-07. Review status: criteria provided, single submitter. Criteria: Invitae Variant Classification Sherloc (09022015). Collection method: clinical testing. Allele origin: germline.
Comment: This sequence change creates a premature translational stop signal (p.Leu173Profs*22) in the CLCN1 gene. It is expected to result in an absent or disrupted protein product. Loss-of-function variants in CLCN1 are known to be pathogenic (PMID: 17932099, 22094069, 23739125). This variant is present in population databases (rs754582984, gnomAD 0.0009%). This variant has not been reported in the literature in individuals affected with CLCN1-related conditions. Algorithms developed to predict the effect of sequence changes on RNA splicing suggest that this variant may disrupt the consensus splice site. For these reasons, this variant has been classified as Pathogenic.

Literature cited by the submitters: PubMed 17932099; PubMed 22094069; PubMed 23739125.

NM_000083.3(CLCN1):c.518del (p.Leu173fs)

Gene: CLCN1 (chloride voltage-gated channel 1; plus strand). Cytogenetic location: 7q34.
Variant type: Deletion.
Coding change: c.518del on transcript NM_000083.3 (MANE Select); coding-DNA position 518, one base deleted (T; older notation c.518delT).
Protein change: p.Leu173fs; shifts the reading frame from leucine 173.
Molecular consequence: frameshift variant. On other transcripts: non-coding transcript variant (1).
Genome position (GRCh38, 1-based): chr7:143,321,449, T deleted. VCF-style (leftmost placement, unchanged base first): chr7-143321448-CT-C. GRCh37 (hg19) VCF-style: chr7-143018541-CT-C.
Other names: short protein forms L173fs.
Identifiers: ClinVar variation 3751162 (VCV003751162.2).